The following is an entry in ClinVar:

NM_004370.6(COL12A1):c.3724C>T (p.Gln1242Ter)

Gene: COL12A1 (collagen type XII alpha 1 chain; minus strand). Cytogenetic location: 6q13.
Variant type: single nucleotide variant.
Coding change: c.3724C>T on transcript NM_004370.6 (MANE Select); coding-DNA position 3724, C replaced by T.
Protein change: p.Gln1242Ter; replaces glutamine 1242 with a stop codon.
Molecular consequence: nonsense.
Genome position (GRCh38, 1-based): chr6:75,152,242, G>A on the plus strand (C>T on the coding strand, the complement: COL12A1 is on the minus strand). VCF-style: chr6-75152242-G-A. GRCh37 (hg19) VCF-style: chr6-75861958-G-A.
Other names: c.3724C>T, p.Gln1242Ter (NM_001424113.1, NM_001424114.1); c.3451C>T, p.Gln1151Ter (NM_001424115.1); c.232C>T, p.Gln78Ter (NM_001424116.1, NM_080645.3); short protein forms Q1151*, Q1242*, Q78*.
Identifiers: ClinVar variation 4294523 (VCV004294523.1).
Genomic context (GRCh38, chr6:75,152,242, plus strand): 5'-AGCTCTTCTTGTCTCTGTGTGCATTTAACTGCCACTCTGTTCTGGGATCCCCACTATACT[G>A]AGCAAGAGCTAAAATGACACCACTGGCATTAGTGCATGTGAAAGAGAAAGATAAAAATGT-3'

ClinVar aggregate classification (germline): Likely pathogenic (1 of 4 stars; one submission).

Conditions:
Ullrich congenital muscular dystrophy 2 (UCMD2). Identifiers: Orphanet 75840, MedGen C4225314, MONDO:0014654, OMIM 616470.
Bethlem myopathy 2 (BTHLM2). Identifiers: Orphanet 536516, Orphanet 610, MedGen C4225313, MONDO:0034022, OMIM 616471.

Submission:

Molecular Genetics Department, Kulakov National Medical Research Center for Obstetrics, Gynecology and Perinatology
Classification: Likely pathogenic for Ullrich congenital muscular dystrophy 2; Bethlem myopathy 2. Review status: criteria provided, single submitter. Criteria: ACMG Guidelines, 2015. Collection method: clinical testing. Allele origin: germline. Affected: yes. Observed: 1 variant allele.
Comment: A previously undescribed heterozygous nucleotide variant creates a premature translation stop signal p.Gln1242Ter in the COL12A1 gene. Homozygous and compound heterozygous variants are reported in patients with ?Ullrich congenital muscular dystrophy 2, 616470. The variant is not present in population database (gnomAD no frequency). The variant was found in trans position with the another COL12A1 variant (NM_004370.6:c.3716-21A>G). In summary, the currently available evidence indicates that the variant is pathogenic, but additional data are needed to prove that conclusively. Therefore, this variant has been classified as likely pathogenic.